The following is an entry in ClinVar:

ClinVar aggregate classification (germline): Pathogenic/Likely pathogenic. Review status: criteria provided, multiple submitters, no conflicts (2 of 4 stars). 11 submissions from 10 submitters: Pathogenic (6); Likely pathogenic (4). 1 of the submissions does not count toward it. Last evaluated 2025-06-23.

Conditions:
CFTR-related disorder (CFTR-RD). Also called: CFTR-related condition; CFTR-related disorders. Identifiers: MedGen C5924204, MONDO:7770004.
Congenital bilateral aplasia of vas deferens from CFTR mutation (CBAVD). Identifiers: Orphanet 48, MedGen C0403814, MONDO:0010178, OMIM 277180. Disease mechanism: loss of function.
Cystic fibrosis (CF). Also called: MUCOVISCIDOSIS. Identifiers: Orphanet 586, MedGen C0010674, MONDO:0009061, OMIM 219700. Disease mechanism: loss of function.
Bronchiectasis with or without elevated sweat chloride 1 (BESC1). Also called: Cystic Fibrosis-Like Syndrome. Identifiers: Orphanet 60033, MedGen C2749757, MONDO:0008887, OMIM 211400.

Allele frequency attached by ClinVar (database versions not stated): gnomAD 0.00001; TOPMed 0.00001; gnomAD exomes below 0.00001.
gnomAD v4.1: 2 of 1,611,732 alleles (0.00012%); highest among the groups gnomAD compares: African/African-American, 0.0027%; no homozygotes.

Submissions (11):

Natera, Inc.
Classification: Likely pathogenic for CFTR-related disorders. Last evaluated: 2025-06-23. Review status: criteria provided, single submitter. Criteria: Natera Variant Classification Schema (03/2026). Collection method: clinical testing. Allele origin: germline.
Comment: The c.1438G>T variant in CFTR is a missense variant predicted to cause substitution of glycine to cysteine at amino acid 480. This variant is rare in the general population with a frequency below the threshold expected for the associated phenotype(s). This variant has been observed in one or more individuals affected with the associated recessive disease, as either homozygous or compound heterozygous with a second variant (PMID: 31344706, 1376016, 7757078). Functional studies show that this variant may disrupt protein function (PMID: 38388235). A different variant at the same position has been determined to be Pathogenic or Likely Pathogenic. Computational prediction algorithms indicate this variant is likely to affect gene or protein function. Given the available evidence, this variant is classified as Likely Pathogenic.

Ambry Genetics
Classification: Pathogenic for Cystic fibrosis. Last evaluated: 2024-12-30. Review status: criteria provided, single submitter. Criteria: Ambry Variant Classification Scheme 2023. Collection method: clinical testing. Allele origin: germline.
Comment: The p.G480C pathogenic mutation (also known as c.1438G>T), located in coding exon 11 of the CFTR gene, results from a G to T substitution at nucleotide position 1438. The glycine at codon 480 is replaced by cysteine, an amino acid with highly dissimilar properties. This mutation was reported in individuals diagnosed with cystic fibrosis (Tsui LC. Hum. Mutat., 1992;1:197-203; Smit LS Hum. Mol. Genet. 1995 Feb;4(2):269-73) and was shown to be associated with severe pancreatic insufficiency (Kristidis P et al. Am. J. Hum. Genet., 1992 Jun;50:1178-84). Functional studies suggested that this mutation impacts CFTR protein trafficking (Smit LS et al. Hum. Mol. Genet., 1995 Feb;4:269-73; Dickinson P et al. Hum. Mol. Genet., 2002 Feb;11:243-51). In an assay testing CFTR function, this variant showed a functionally abnormal result (Bihler H et al. J Cyst Fibros, 2024 Jul;23:664-675). This amino acid position is highly conserved in available vertebrate species. In addition, this alteration is predicted to be deleterious by in silico analysis. Based on the supporting evidence, this variant is interpreted as a disease-causing mutation.

Baylor Genetics
Classification: Likely pathogenic for Bronchiectasis with or without elevated sweat chloride 1. Last evaluated: 2024-03-27. Review status: criteria provided, single submitter. Criteria: ACMG Guidelines, 2015. Collection method: clinical testing. Allele origin: unknown.

Labcorp Genetics (formerly Invitae), Labcorp
Classification: Pathogenic for Cystic fibrosis. Last evaluated: 2023-05-27. Review status: criteria provided, single submitter. Criteria: Invitae Variant Classification Sherloc (09022015). Collection method: clinical testing. Allele origin: germline.
Comment: Advanced modeling of protein sequence and biophysical properties (such as structural, functional, and spatial information, amino acid conservation, physicochemical variation, residue mobility, and thermodynamic stability) performed at Invitae indicates that this missense variant is expected to disrupt CFTR protein function. Experimental studies have shown that this missense change affects CFTR function (PMID: 7757078, 11823443, 27340661). For these reasons, this variant has been classified as Pathogenic. ClinVar contains an entry for this variant (Variation ID: 7187). This sequence change replaces glycine, which is neutral and non-polar, with cysteine, which is neutral and slightly polar, at codon 480 of the CFTR protein (p.Gly480Cys). This variant is present in population databases (rs79282516, gnomAD 0.01%). This missense change has been observed in individual(s) with cystic fibrosis (PMID: 1376016, 7757078, 9150159, 26708955). In at least one individual the data is consistent with being in trans (on the opposite chromosome) from a pathogenic variant.

Institute of Human Genetics, University of Leipzig Medical Center
Classification: Pathogenic for Cystic fibrosis. Last evaluated: 2022-09-05. Review status: criteria provided, single submitter. Criteria: ACMG Guidelines, 2015. Collection method: curation. Allele origin: unknown. Affected: yes. Observed: 1 variant allele.
Comment: The variant was classified in the context of a project re-classifying variants in the German Cystic Fibrosis Registry (Muko.e.V.). Criteria applied: PS3_SUP, PM2_SUP, PM3_STR, PM5_STR, PP3

Women's Health and Genetics/Laboratory Corporation of America, LabCorp
Classification: Pathogenic for Cystic fibrosis. Last evaluated: 2021-10-28. Review status: criteria provided, single submitter. Criteria: LabCorp Variant Classification Summary - May 2015. Collection method: clinical testing. Allele origin: germline.
Comment: Variant summary: CFTR c.1438G>T (p.Gly480Cys) results in a non-conservative amino acid change located in the ABC transporter-like domain (IPR003439) of the encoded protein sequence. Five of five in-silico tools predict a damaging effect of the variant on protein function. The variant was absent in 251304 control chromosomes. c.1438G>T has been reported in the literature in individuals affected with Cystic Fibrosis (e.g. Kristidis_1992, Petrova_2020). These data indicate that the variant may be associated with disease. At least one publication reports experimental evidence and showed that this variant affects CFTR function (e.g. Smit_1995, Dickinson_2002). Three clinical diagnostic laboratories have submitted clinical-significance assessments for this variant to ClinVar after 2014 without evidence for independent evaluation. All laboratories classified the variant as pathogenic/likely pathogenic. Based on the evidence outlined above, the variant was classified as pathogenic.

Myriad Genetics, Inc.
Classification: Likely pathogenic for Cystic fibrosis. Last evaluated: 2019-11-15. Review status: criteria provided, single submitter. Criteria: Myriad Women's Health Autosomal Recessive and X-Linked Classification Criteria (2019). Collection method: clinical testing. Allele origin: unknown.
Comment: NM_000492.3(CFTR):c.1438G>T(G480C) is classified as likely pathogenic in the context of cystic fibrosis. Sources cited for classification include the following: PMID 11388756, 11823443, 1376016, 7757078 and 16132229. Classification of NM_000492.3(CFTR):c.1438G>T(G480C) is based on the following criteria: There is strong evidence of association with the variant and the relevant disease and there is functional data showing deficient protein function. Please note: this variant was assessed in the context of healthy population screening.

Johns Hopkins Genomics, Johns Hopkins University
Classification: Pathogenic for Cystic fibrosis. Last evaluated: 2019-10-21. Review status: criteria provided, single submitter. Criteria: ACMG Guidelines, 2015. Collection method: clinical testing. Allele origin: germline.
Comment: This CFTR variant previously been identified in multiple individuals with a clinical presentation consistent with cystic fibrosis and is reported in ClinVar as pathogenic or likely pathogenic by two laboratories. Additionally, functional analysis support the deleterious effect of this missense change, located in the first nucleotide binding domain of the protein, on CFTR trafficking. This CFTR variant (rs79282516) is rare (<0.1%) in one large population dataset6 and absent from another (gnomAD: 1/31382 total alleles; 0.003187%; no homozygotes). We consider this variant to be pathogenic.

Eurofins Ntd Llc (ga)
Classification: Pathogenic. Last evaluated: 2013-09-30. Review status: criteria provided, single submitter. Criteria: EGL Classification Definitions. Collection method: clinical testing. Allele origin: germline. Observed: 1 variant allele, 1 heterozygote.

Baylor Genetics
Classification: Likely pathogenic for Congenital bilateral aplasia of vas deferens from CFTR mutation; Cystic fibrosis. Review status: criteria provided, single submitter. Criteria: ACMG Guidelines, 2015. Collection method: clinical testing. Allele origin: germline.

OMIM
Classification: Pathogenic for CYSTIC FIBROSIS. Last evaluated: 1995-02-01. Review status: no assertion criteria provided. Collection method: literature only. Allele origin: germline. Not counted in ClinVar's aggregate classification.

Literature cited by the submitters: PubMed 31344706 (cited by Natera, Inc.); PubMed 1376016 (cited by 5 submitters); PubMed 7757078 (cited by 6 submitters); PubMed 38388235 (cited by Natera, Inc. and Ambry Genetics); PubMed 11823443 (cited by 4 submitters); PubMed 1284534 (cited by Ambry Genetics and Women's Health and Genetics/Laboratory Corporation of America, LabCorp); PubMed 24958810 (cited by Ambry Genetics); PubMed 27340661 (cited by Labcorp Genetics (formerly Invitae), Labcorp); PubMed 9150159 (cited by Labcorp Genetics (formerly Invitae), Labcorp); PubMed 26708955 (cited by Labcorp Genetics (formerly Invitae), Labcorp); PubMed 18456578 (cited by Women's Health and Genetics/Laboratory Corporation of America, LabCorp); PubMed 27870577 (cited by Women's Health and Genetics/Laboratory Corporation of America, LabCorp); PubMed 32429104 (cited by Women's Health and Genetics/Laboratory Corporation of America, LabCorp); PubMed 11388756 (cited by Myriad Genetics, Inc.); PubMed 16132229 (cited by Myriad Genetics, Inc.).

NM_000492.4(CFTR):c.1438G>T (p.Gly480Cys)

Genes: CFTR (CF transmembrane conductance regulator; plus strand), CFTR-AS1 (CFTR antisense RNA 1; minus strand). Cytogenetic location: 7q31.2.
Variant type: single nucleotide variant.
Coding change: c.1438G>T on transcript NM_000492.4 (MANE Select); coding-DNA position 1438, G replaced by T.
Protein change: p.Gly480Cys; replaces glycine 480 with cysteine.
Molecular consequence: missense variant.
Genome position (GRCh38, 1-based): chr7:117,559,509, G>T. VCF-style: chr7-117559509-G-T. GRCh37 (hg19) VCF-style: chr7-117199563-G-T.
Other names: G480C.
Identifiers: ClinVar variation 7187 (VCV000007187.28), dbSNP rs79282516, ClinGen allele CA221007.